The following is an entry in ClinVar:

NM_017636.4(TRPM4):c.24+6C>G

Gene: TRPM4 (transient receptor potential cation channel subfamily M member 4; plus strand). Cytogenetic location: 19q13.33.
Variant type: single nucleotide variant.
Coding change: c.24+6C>G on transcript NM_017636.4 (MANE Select); 6 bases into the intron after coding-DNA position 24, C replaced by G.
Molecular consequence: intron variant.
Genome position (GRCh38, 1-based): chr19:49,157,896, C>G. VCF-style: chr19-49157896-C-G. GRCh37 (hg19) VCF-style: chr19-49661153-C-G.
Other names: c.24+6C>G (NM_001195227.2, NM_001321281.2); c.-1349+6C>G (NM_001321282.2); c.-143+6C>G (NM_001321283.2); c.-306+6C>G (NM_001321285.2).
Identifiers: ClinVar variation 389832 (VCV000389832.15), dbSNP rs767900879, ClinGen allele CA9568636.
Genomic context (GRCh38, chr19:49,157,896, plus strand): 5'-GGCTGCAGGAGGTTGCGGCGGCCGCGGCAGCATGGTGGTGCCGGAGAAGGAGCAGGTGAG[C>G]GCCGGACCAGGGTCTGCGGGAGCGCGGAGCTGGGGACCTCGCCTCCAGGCTCCCAGAGAG-3'

ClinVar aggregate classification (germline): Conflicting classifications of pathogenicity. Review status: criteria provided, conflicting classifications (1 of 4 stars). 4 submissions from 4 submitters: Uncertain significance (1); Likely benign (1). 2 of the submissions do not count toward it. Last evaluated 2025-10-13.

Conditions:
Progressive familial heart block type IB (PFHB1B). Identifiers: Orphanet 871, MedGen C1970298, MONDO:0011474, OMIM 604559.

Allele frequency attached by ClinVar (database versions not stated): ExAC below 0.00001; gnomAD exomes 0.00008; TOPMed 0.00009; gnomAD 0.00013.
gnomAD v4.1: 148 of 1,534,936 alleles (0.0096%); highest among the groups gnomAD compares: Admixed American, 0.014%; no homozygotes.

Submissions (4):

Labcorp Genetics (formerly Invitae), Labcorp
Classification: Uncertain significance for Progressive familial heart block type IB. Last evaluated: 2025-10-13. Review status: criteria provided, single submitter. Criteria: Invitae Variant Classification Sherloc (09022015). Collection method: clinical testing. Allele origin: germline.
Comment: This sequence change falls in intron 1 of the TRPM4 gene. It does not directly change the encoded amino acid sequence of the TRPM4 protein. It affects a nucleotide within the consensus splice site. This variant is present in population databases (rs767900879, gnomAD 0.02%). This variant has not been reported in the literature in individuals affected with TRPM4-related conditions. ClinVar contains an entry for this variant (Variation ID: 389832). Variants that disrupt the consensus splice site are a relatively common cause of aberrant splicing (PMID: 17576681, 9536098). Algorithms developed to predict the effect of sequence changes on RNA splicing suggest that this variant is not likely to affect RNA splicing. In summary, the available evidence is currently insufficient to determine the role of this variant in disease. Therefore, it has been classified as a Variant of Uncertain Significance.

GeneDx
Classification: Likely benign. Last evaluated: 2020-12-31. Review status: criteria provided, single submitter. Criteria: GeneDx Variant Classification Process June 2021. Collection method: clinical testing. Allele origin: germline. Affected: yes.

Clinical Genetics, Academic Medical Center
Classification: Likely benign. Review status: no assertion criteria provided. Collection method: clinical testing. Allele origin: germline. Affected: yes. Study: VKGL Data-share Consensus. Not counted in ClinVar's aggregate classification.

Genome Diagnostics Laboratory, University Medical Center Utrecht
Classification: Likely benign. Review status: no assertion criteria provided. Collection method: clinical testing. Allele origin: germline. Affected: yes. Study: VKGL Data-share Consensus. Not counted in ClinVar's aggregate classification.

Literature cited by the submitters: PubMed 17576681 (cited by Labcorp Genetics (formerly Invitae), Labcorp); PubMed 9536098 (cited by Labcorp Genetics (formerly Invitae), Labcorp).